The following is an entry in ClinVar:

NM_022765.4(MICAL1):c.2938A>C (p.Lys980Gln)

Gene: MICAL1 (microtubule associated monooxygenase, calponin and LIM domain containing 1; minus strand). Cytogenetic location: 6q21.
Variant type: single nucleotide variant.
Coding change: c.2938A>C on transcript NM_022765.4 (MANE Select); coding-DNA position 2938, A replaced by C.
Protein change: p.Lys980Gln; replaces lysine 980 with glutamine.
Molecular consequence: missense variant.
Genome position (GRCh38, 1-based): chr6:109,444,939, T>G on the plus strand (A>C on the coding strand, the complement: MICAL1 is on the minus strand). VCF-style: chr6-109444939-T-G. GRCh37 (hg19) VCF-style: chr6-109766142-T-G.
Other names: c.2938A>C (NM_022765.3); c.2680A>C, p.Lys894Gln (NM_001159291.2); c.2995A>C, p.Lys999Gln (NM_001286613.2); short protein forms K999Q, K894Q, K980Q.
Identifiers: ClinVar variation 2161593 (VCV002161593.6), dbSNP rs755103333, ClinGen allele CA365221221.

ClinVar aggregate classification (germline): Uncertain significance. Review status: criteria provided, multiple submitters, no conflicts (2 of 4 stars). 2 submissions from 2 submitters: Uncertain significance (2). Last evaluated 2025-08-25.

gnomAD v4.1: 13 of 1,614,032 alleles (0.00081%); highest among the groups gnomAD compares: Non-Finnish European, 0.0011%; no homozygotes.

Submissions (2):

Labcorp Genetics (formerly Invitae), Labcorp
Classification: Uncertain significance. Last evaluated: 2025-08-25. Review status: criteria provided, single submitter. Criteria: Invitae Variant Classification Sherloc (09022015). Collection method: clinical testing. Allele origin: germline.
Comment: This sequence change replaces lysine, which is basic and polar, with glutamine, which is neutral and polar, at codon 999 of the MICAL1 protein (p.Lys999Gln). This variant is not present in population databases (gnomAD no frequency). This variant has not been reported in the literature in individuals affected with MICAL1-related conditions. ClinVar contains an entry for this variant (Variation ID: 2161593). An algorithm developed to predict the effect of missense changes on protein structure and function (PolyPhen-2) suggests that this variant is likely to be tolerated. In summary, the available evidence is currently insufficient to determine the role of this variant in disease. Therefore, it has been classified as a Variant of Uncertain Significance.

Ambry Genetics
Classification: Uncertain significance. Last evaluated: 2023-04-18. Review status: criteria provided, single submitter. Criteria: Ambry Variant Classification Scheme 2023. Collection method: clinical testing. Allele origin: germline.